The following is an entry in ClinVar:

ClinVar aggregate classification (germline): Pathogenic (1 of 4 stars; one submission).

Conditions:
Renal cysts and diabetes syndrome (RCAD). Also called: Familial hypoplastic, glomerulocystic kidney; MATURITY-ONSET DIABETES OF THE YOUNG, TYPE 5. Identifiers: Orphanet 93111, MedGen C0431693, MONDO:0007669, OMIM 137920.

Submission:

Institute of Human Genetics, FAU Erlangen, Friedrich-Alexander-Universität Erlangen-Nürnberg
Classification: Pathogenic for Renal cysts and diabetes syndrome. Last evaluated: 2019-07-06. Review status: criteria provided, single submitter. Criteria: ACMG Guidelines, 2015. Collection method: literature only. Allele origin: germline. Affected: yes.
Comment: This variant and it's classification has been reported by Vasileiou et al. 2019; DOI:10.1101/576918. The variants has previously been reported in PMID:25700310; PMID:20378641; PMID:15509593; PMID:25536396 as "c.delAG1363-1364,p.Ser455fs; c.1363_1364delAG, codon 454" with clinical significance Pathogenic. It has been re-classified using InterVar and manual curation as Pathogenic based on PVS1 PM2 PP3.

Literature cited by the submitters: PubMed 25700310; PubMed 20378641; PubMed 15509593; PubMed 25536396; DOI 10.1101/576918.

NM_000458.4(HNF1B):c.1363_1364del (p.Ser455fs)

Gene: HNF1B (HNF1 homeobox B; minus strand). Cytogenetic location: 17q12.
Variant type: Microsatellite.
Coding change: c.1363_1364del on transcript NM_000458.4 (MANE Select); coding-DNA positions 1363 to 1364, 2 bases deleted (AG; older notation c.1363_1364delAG).
Protein change: p.Ser455fs; shifts the reading frame from serine 455.
Molecular consequence: frameshift variant. On other transcripts: intron variant (1).
Genome position (GRCh38, 1-based): chr17:37,701,153-37,701,154, CT deleted on the plus strand (AG on the coding strand, the reverse complement: HNF1B is on the minus strand); deleting any 2 consecutive bases within chr17:37,701,153-37,701,156 gives the same sequence; the c. name uses the placement nearest the transcript's 3' end. VCF-style (leftmost placement, unchanged base first): chr17-37701152-ACT-A. GRCh37 (hg19) VCF-style: chr17-36061157-ACT-A.
Other names: c.1285_1286del, p.Ser429fs (NM_001165923.4); c.1261+3763_1261+3764del (NM_001304286.2); short protein forms S429fs, S455fs.
Identifiers: ClinVar variation 635586 (VCV000635586.1), dbSNP rs2511701024, ClinGen allele CA913190644.
Genomic context (GRCh38, chr17:37,701,152, plus strand): 5'-GGAGAACTGGACGGGCTGCAGGGCTGCCAGGCTGCCGGCCACACTGTTGATGACAGGGAC[ACT>A]CTGTGCTTGGGAGGTGTTGAGGCCTGTGGGAGCAAGAGGAAAAGATCACAGACAGCTCCT-3'